The following is an entry in ClinVar:

NM_000057.4(BLM):c.803A>G (p.Asn268Ser)

Gene: BLM (BLM RecQ like helicase; plus strand). Cytogenetic location: 15q26.1.
Variant type: single nucleotide variant.
Coding change: c.803A>G on transcript NM_000057.4 (MANE Select); coding-DNA position 803, A replaced by G.
Protein change: p.Asn268Ser; replaces asparagine 268 with serine.
Molecular consequence: missense variant. On other transcripts: 5 prime UTR variant (1).
Genome position (GRCh38, 1-based): chr15:90,751,790, A>G. VCF-style: chr15-90751790-A-G. GRCh37 (hg19) VCF-style: chr15-91295020-A-G.
Other names: c.803A>G, p.Asn268Ser (NM_001287246.2, NM_001287247.2); c.-489A>G (NM_001287248.2); c.803A>G (NM_000057.2); short protein forms N268S.
Identifiers: ClinVar variation 578849 (VCV000578849.15), dbSNP rs763432949, ClinGen allele CA7738368.

ClinVar aggregate classification (germline): Uncertain significance. Review status: criteria provided, multiple submitters, no conflicts (2 of 4 stars). 3 submissions from 3 submitters: Uncertain significance (2). 1 of the submissions does not count toward it. Last evaluated 2025-11-05.

Conditions:
Hereditary cancer-predisposing syndrome. Also called: Neoplastic Syndromes, Hereditary; Tumor predisposition; Hereditary neoplastic syndrome; Hereditary Cancer Syndrome. Identifiers: Orphanet 140162, MedGen C0027672, MeSH D009386, MONDO:0015356.
Bloom syndrome (BLM). Also called: Bloom-Torre-Machacek syndrome. Identifiers: Orphanet 125, MedGen C0005859, MONDO:0008876, OMIM 210900.

Allele frequency attached by ClinVar (database versions not stated): gnomAD 0.00001; gnomAD exomes 0.00001 and 0.00002; ExAC 0.00002.
gnomAD v4.1: 19 of 1,610,918 alleles (0.0012%); highest among the groups gnomAD compares: East Asian, 0.011%; no homozygotes.

Submissions (3):

Labcorp Genetics (formerly Invitae), Labcorp
Classification: Uncertain significance for Bloom syndrome. Last evaluated: 2025-11-05. Review status: criteria provided, single submitter. Criteria: Invitae Variant Classification Sherloc (09022015). Collection method: clinical testing. Allele origin: germline.
Comment: This sequence change replaces asparagine, which is neutral and polar, with serine, which is neutral and polar, at codon 268 of the BLM protein (p.Asn268Ser). This variant is present in population databases (rs763432949, gnomAD 0.01%). This variant has not been reported in the literature in individuals affected with BLM-related conditions. ClinVar contains an entry for this variant (Variation ID: 578849). An algorithm developed to predict the effect of missense changes on protein structure and function outputs the following: PolyPhen-2: "Benign". The serine amino acid residue is found in multiple mammalian species, which suggests that this missense change does not adversely affect protein function. In summary, the available evidence is currently insufficient to determine the role of this variant in disease. Therefore, it has been classified as a Variant of Uncertain Significance.

Ambry Genetics
Classification: Uncertain significance for Hereditary cancer-predisposing syndrome. Last evaluated: 2025-06-24. Review status: criteria provided, single submitter. Criteria: Ambry Variant Classification Scheme 2023. Collection method: clinical testing. Allele origin: germline.
Comment: The p.N268S variant (also known as c.803A>G), located in coding exon 3 of the BLM gene, results from an A to G substitution at nucleotide position 803. The asparagine at codon 268 is replaced by serine, an amino acid with highly similar properties. This amino acid position is poorly conserved in available vertebrate species. In addition, this alteration is predicted to be tolerated by in silico analysis. Since supporting evidence is limited at this time, the clinical significance of this alteration remains unclear.

Natera, Inc.
Classification: Uncertain significance for Bloom syndrome. Last evaluated: 2020-07-10. Review status: no assertion criteria provided. Collection method: clinical testing. Allele origin: germline. Not counted in ClinVar's aggregate classification.